The following is an entry in ClinVar:

ClinVar aggregate classification (germline): Uncertain significance (1 of 4 stars; one submission).

Allele frequency attached by ClinVar (database versions not stated): gnomAD exomes below 0.00001.
gnomAD v4.1: 3 of 1,606,068 alleles (0.00019%); highest among the groups gnomAD compares: South Asian, 0.0022%; no homozygotes.

Submission:

Labcorp Genetics (formerly Invitae), Labcorp
Classification: Uncertain significance. Last evaluated: 2022-02-25. Review status: criteria provided, single submitter. Criteria: Invitae Variant Classification Sherloc (09022015). Collection method: clinical testing. Allele origin: germline.
Comment: This sequence change replaces asparagine, which is neutral and polar, with serine, which is neutral and polar, at codon 439 of the SCLT1 protein (p.Asn439Ser). This variant is not present in population databases (gnomAD no frequency). In summary, the available evidence is currently insufficient to determine the role of this variant in disease. Therefore, it has been classified as a Variant of Uncertain Significance. Algorithms developed to predict the effect of missense changes on protein structure and function (SIFT, PolyPhen-2, Align-GVGD) all suggest that this variant is likely to be tolerated. This variant has not been reported in the literature in individuals affected with SCLT1-related conditions.

NM_144643.4(SCLT1):c.1316A>G (p.Asn439Ser)

Gene: SCLT1 (sodium channel and clathrin linker 1; minus strand). Cytogenetic location: 4q28.2.
Variant type: single nucleotide variant.
Coding change: c.1316A>G on transcript NM_144643.4 (MANE Select); coding-DNA position 1316, A replaced by G.
Protein change: p.Asn439Ser; replaces asparagine 439 with serine.
Molecular consequence: missense variant.
Genome position (GRCh38, 1-based): chr4:128,946,130, T>C on the plus strand (A>G on the coding strand, the complement: SCLT1 is on the minus strand). VCF-style: chr4-128946130-T-C. GRCh37 (hg19) VCF-style: chr4-129867285-T-C.
Other names: c.1316A>G, p.Asn439Ser (NM_001410807.1); short protein forms N439S.
Identifiers: ClinVar variation 2103602 (VCV002103602.4), dbSNP rs1326499482, ClinGen allele CA358186663.